The following is an entry in ClinVar:

NM_001035.3(RYR2):c.10529G>A (p.Arg3510His)

Gene: RYR2 (ryanodine receptor 2; plus strand). Cytogenetic location: 1q43.
Variant type: single nucleotide variant.
Coding change: c.10529G>A on transcript NM_001035.3 (MANE Select); coding-DNA position 10529, G replaced by A.
Protein change: p.Arg3510His; replaces arginine 3510 with histidine.
Molecular consequence: missense variant.
Genome position (GRCh38, 1-based): chr1:237,718,496, G>A. VCF-style: chr1-237718496-G-A. GRCh37 (hg19) VCF-style: chr1-237881796-G-A.
Other names: p.R3510H:CGC>CAC; c.10529G>A, p.Arg3510His (LRG_402t1); short protein forms R3510H.
Identifiers: ClinVar variation 201303 (VCV000201303.24), dbSNP rs375947003, ClinGen allele CA006684.

ClinVar aggregate classification (germline): Conflicting classifications of pathogenicity. Review status: criteria provided, conflicting classifications (1 of 4 stars). 6 submissions from 6 submitters: Uncertain significance (5); Likely benign (1). Last evaluated 2025-12-09.

Conditions:
Catecholaminergic polymorphic ventricular tachycardia (CVPT). Also called: Catecholamine-induced polymorphic ventricular tachycardia. Identifiers: Orphanet 3286, MedGen C5574922, MONDO:0017990.
Cardiovascular phenotype. Identifiers: MedGen CN230736.
Cardiomyopathy (CMYO). Also called: Cardiomyopathies. Identifiers: Orphanet 167848, MedGen C0878544, MONDO:0004994, HP:0001638. Inheritance: Various modes of inheritance.
Catecholaminergic polymorphic ventricular tachycardia 1. Also called: VENTRICULAR TACHYCARDIA, CATECHOLAMINERGIC POLYMORPHIC, 1, WITH OR WITHOUT ATRIAL DYSFUNCTION AND/OR DILATED CARDIOMYOPATHY; RYR2-Related Catecholaminergic Polymorphic Ventricular Tachycardia; VENTRICULAR TACHYCARDIA, STRESS-INDUCED POLYMORPHIC 1. Identifiers: Orphanet 3286, MedGen C1631597, MONDO:0011484, OMIM 604772.

Allele frequency attached by ClinVar (database versions not stated): TOPMed 0.00002; gnomAD exomes 0.00001; ExAC 0.00001; ESP Exome Variant Server 0.00008.
gnomAD v4.1: 47 of 1,595,658 alleles (0.0029%); highest among the groups gnomAD compares: South Asian, 0.0044%; no homozygotes.

Submissions (6):

Labcorp Genetics (formerly Invitae), Labcorp
Classification: Likely benign for Catecholaminergic polymorphic ventricular tachycardia 1. Last evaluated: 2025-12-09. Review status: criteria provided, single submitter. Criteria: Invitae Variant Classification Sherloc (09022015). Collection method: clinical testing. Allele origin: germline.

Dasa
Classification: Uncertain significance. Last evaluated: 2025-02-12. Review status: criteria provided, single submitter. Criteria: DASA Assertion Criteria. Collection method: clinical testing. Allele origin: germline.
Comment: NM_001035.3(RYR2):c.10529G>A (p.Arg3510His) is a missense variant that results in the substitution of arginine with histidine. This variant is rare in population databases. Computational prediction algorithms are consistent with a benign effect. The currently available literature and clinical evidence are not sufficient to establish a definitive association between this variant and the reported condition. Therefore, this variant is classified as a variant of uncertain significance.

All of Us Research Program, National Institutes of Health
Classification: Uncertain significance for Catecholaminergic polymorphic ventricular tachycardia. Last evaluated: 2024-07-29. Review status: criteria provided, single submitter. Criteria: ACMG Guidelines, 2015. Collection method: clinical testing. Allele origin: germline. Inheritance: Autosomal dominant inheritance. Observed: 5 variant alleles, 5 heterozygotes.
Comment: This variant replaces arginine with histidine at codon 3510 in the RYR2 protein. Computational prediction suggests that this variant may not impact protein structure and function (internally defined REVEL score threshold <= 0.5, PMID: 27666373). To our knowledge, functional studies have not been reported for this variant. This variant has not been reported in individuals affected with cardiovascular disorders in the literature. This variant has been identified in 3/248236 chromosomes in the general population by the Genome Aggregation Database (gnomAD). The available evidence is insufficient to determine the role of this variant in disease conclusively. Therefore, this variant is classified as a Variant of Uncertain Significance.

This study involves interpretation of variants in research participants for the purpose of population health screening. Participant phenotype was not available at the time of variant classification. Additional details can be found in publication PMID: 35346344, PMCID: PMC8962531

Color Diagnostics, LLC DBA Color Health
Classification: Uncertain significance for Cardiomyopathy. Last evaluated: 2024-02-07. Review status: criteria provided, single submitter. Criteria: ACMG Guidelines, 2015. Collection method: clinical testing. Allele origin: germline.
Comment: This variant replaces arginine with histidine at codon 3510 in the RYR2 protein. Computational prediction suggests that this variant may not impact protein structure and function (internally defined REVEL score threshold <= 0.5, PMID: 27666373). To our knowledge, functional studies have not been reported for this variant. This variant has not been reported in individuals affected with cardiovascular disorders in the literature. This variant has been identified in 3/248236 chromosomes in the general population by the Genome Aggregation Database (gnomAD). The available evidence is insufficient to determine the role of this variant in disease conclusively. Therefore, this variant is classified as a Variant of Uncertain Significance.

Ambry Genetics
Classification: Uncertain significance for Cardiovascular phenotype. Last evaluated: 2023-05-23. Review status: criteria provided, single submitter. Criteria: Ambry Variant Classification Scheme 2023. Collection method: clinical testing. Allele origin: germline.
Comment: The p.R3510H variant (also known as c.10529G>A), located in coding exon 73 of the RYR2 gene, results from a G to A substitution at nucleotide position 10529. The arginine at codon 3510 is replaced by histidine, an amino acid with highly similar properties. This alteration has been reported in a whole exome sequencing cohort (Landstrom AP et al. Circ Arrhythm Electrophysiol, 2017 Apr;10:). This amino acid position is well conserved in available vertebrate species. In addition, the in silico prediction for this alteration is inconclusive. Since supporting evidence is limited at this time, the clinical significance of this alteration remains unclear.

GeneDx
Classification: Uncertain significance. Last evaluated: 2022-03-07. Review status: criteria provided, single submitter. Criteria: GeneDx Variant Classification Process June 2021. Collection method: clinical testing. Allele origin: germline. Affected: yes.
Comment: Reported in at least one heterozygous individual from a cohort of patients referred for clinical whole exome sequencing; patient-specific clinical data were not provided (Landstrom et al., 2017); Not observed at significant frequency in large population cohorts (gnomAD); In silico analysis supports that this missense variant does not alter protein structure/function; Not located in one of the three hot-spot regions of the RYR2 gene, where the majority of pathogenic missense variants occur (Medeiros-Domingo et al., 2009); This variant is associated with the following publications: (PMID: 28404607, 19926015)

Literature cited by the submitters: PubMed 28404607 (cited by Ambry Genetics).